The following is an entry in ClinVar:

NM_000051.4(ATM):c.9040C>A (p.Gln3014Lys)

Genes: ATM (ATM serine/threonine kinase; plus strand), C11orf65 (chromosome 11 open reading frame 65; minus strand). Cytogenetic location: 11q22.3.
Variant type: single nucleotide variant.
Coding change: c.9040C>A on transcript NM_000051.4 (MANE Select); coding-DNA position 9040, C replaced by A.
Protein change: p.Gln3014Lys; replaces glutamine 3014 with lysine.
Molecular consequence: missense variant. On other transcripts: intron variant (2).
Genome position (GRCh38, 1-based): chr11:108,365,377, C>A. VCF-style: chr11-108365377-C-A. GRCh37 (hg19) VCF-style: chr11-108236104-C-A.
Other names: c.9040C>A, p.Gln3014Lys (NM_001351834.2); c.640+20543G>T (NM_001330368.2); c.694+20543G>T (NM_001351110.2); short protein forms Q3014K.
Identifiers: ClinVar variation 2111962 (VCV002111962.4), dbSNP rs2137911487, ClinGen allele CA382531329.
Genomic context (GRCh38, chr11:108,365,377, plus strand): 5'-GTCCTTAGTGATATTGACCAGAGTTTCAACAAAGTAGCTGAACGTGTCTTAATGAGACTA[C>A]AAGAGAAACTGAAAGGAGTGGAAGAAGGCACTGTGCTCAGTGTTGGTGGACAAGTGAATT-3'
Protein context (NP_000042.3, residues 3004-3024): KVAERVLMRL[Gln3014Lys]EKLKGVEEGT

ClinVar aggregate classification (germline): Uncertain significance (1 of 4 stars; one submission).

Conditions:
Ataxia-telangiectasia syndrome (AT). Also called: ATAXIA-TELANGIECTASIA, COMPLEMENTATION GROUP A; ATAXIA-TELANGIECTASIA, FRESNO VARIANT; Ataxia-telangiectasia; Ataxia-telangiectasia, complementation group E; LOUIS-BAR SYNDROME; Cerebello-oculocutaneous telangiectasia. Identifiers: Orphanet 100, MedGen C0004135, MONDO:0008840, OMIM 208900.

Submission:

Labcorp Genetics (formerly Invitae), Labcorp
Classification: Uncertain significance for Ataxia-telangiectasia syndrome. Last evaluated: 2022-03-14. Review status: criteria provided, single submitter. Criteria: Invitae Variant Classification Sherloc (09022015). Collection method: clinical testing. Allele origin: germline.
Comment: This sequence change replaces glutamine, which is neutral and polar, with lysine, which is basic and polar, at codon 3014 of the ATM protein (p.Gln3014Lys). This variant is not present in population databases (gnomAD no frequency). This variant has not been reported in the literature in individuals affected with ATM-related conditions. Algorithms developed to predict the effect of missense changes on protein structure and function (SIFT, PolyPhen-2, Align-GVGD) all suggest that this variant is likely to be tolerated. In summary, the available evidence is currently insufficient to determine the role of this variant in disease. Therefore, it has been classified as a Variant of Uncertain Significance.